The following is an entry in ClinVar:

NM_025114.4(CEP290):c.5199A>G (p.Gln1733=)

Gene: CEP290 (centrosomal protein 290; minus strand). Cytogenetic location: 12q21.32.
Variant type: single nucleotide variant.
Coding change: c.5199A>G on transcript NM_025114.4 (MANE Select); coding-DNA position 5199, A replaced by G.
Protein change: p.Gln1733=; no amino-acid change (glutamine 1733 retained).
Molecular consequence: synonymous variant.
Genome position (GRCh38, 1-based): chr12:88,080,209, T>C on the plus strand (A>G on the coding strand, the complement: CEP290 is on the minus strand). VCF-style: chr12-88080209-T-C. GRCh37 (hg19) VCF-style: chr12-88473986-T-C.
Other names: p.Q1733Q:CAA>CAG; p.Gln1733=.
Identifiers: ClinVar variation 136730 (VCV000136730.31), dbSNP rs79644671, ClinGen allele CA290041.
Genomic context (GRCh38, chr12:88,080,209, plus strand): 5'-CCTAAATGTTGATAATTTTCTGTTGTTACTTACTTTCTGTTGTTTCTCCTTCAAGGCTAA[T>C]TGGCTCTTTAGCCGTTCTACTAGATTTCTCATTGTAGTTGTTGGAGCTCTTGAATTTGCT-3'
Protein context (NP_079390.3, residues 1723-1743): MRNLVERLKS[Gln1733=]LALKEKQQKA

ClinVar aggregate classification (germline): Conflicting classifications of pathogenicity. Review status: criteria provided, conflicting classifications (1 of 4 stars). 13 submissions from 9 submitters: Uncertain significance (1); Benign (8); Likely benign (3). 1 of the submissions does not count toward it. Last evaluated 2026-02-02.

Conditions:
Kidney disorder. Also called: Nephropathy; Kidney Diseases; renal disease; renal disorder; Kidney disease. Identifiers: MedGen C0022658, MONDO:0005240, HP:0000112.
Meckel-Gruber syndrome. Also called: DYSENCEPHALIA SPLANCHNOCYSTICA; GRUBER SYNDROME; Dysencephalia splachnocystica. Identifiers: Orphanet 564, MedGen C0265215, MONDO:0018921.
Nephronophthisis. Also called: Juvenile Nephronophthisis. Identifiers: Orphanet 655, MedGen C0687120, MONDO:0019005, HP:0000090.
Joubert syndrome. Also called: CEREBELLOPARENCHYMAL DISORDER IV; Familial aplasia of the vermis; JOUBERT-BOLTSHAUSER SYNDROME. Identifiers: Orphanet 475, MedGen C5979921, MONDO:0018772.
Leber congenital amaurosis (LCA). Also called: Leber's amaurosis. Identifiers: Orphanet 65, MedGen C0339527, MeSH D057130, MONDO:0018998.
Meckel syndrome, type 4 (MKS4). Also called: MECKEL-GRUBER SYNDROME, TYPE 4. Identifiers: Orphanet 564, MedGen C1970161, MONDO:0012626, OMIM 611134.
Bardet-Biedl syndrome 14 (BBS14). Identifiers: Orphanet 110, MedGen C2673874, MONDO:0014442, OMIM 615991.
Leber congenital amaurosis 10 (LCA10). Identifiers: Orphanet 65, MedGen C1857821, MONDO:0012723, OMIM 611755.
Senior-Loken syndrome 6 (SLSN6). Identifiers: Orphanet 3156, MedGen C1857779, MONDO:0012433, OMIM 610189.
Joubert syndrome 5 (JBTS5). Identifiers: Orphanet 2318, MedGen C1857780, MONDO:0012432, OMIM 610188.

Allele frequency attached by ClinVar (database versions not stated): gnomAD exomes 0.00066 and 0.00184; ExAC 0.00310; ESP Exome Variant Server 0.00670; gnomAD 0.00692 and 0.00740; TOPMed 0.00767; 1000 Genomes Project 0.00899; 1000 Genomes Project 30x 0.00953.
gnomAD v4.1: 2,035 of 1,610,522 alleles (0.13%); highest among the groups gnomAD compares: African/African-American, 2.4%; 29 homozygotes.

Submissions (13):

Labcorp Genetics (formerly Invitae), Labcorp
Classification: Benign for Joubert syndrome; Meckel-Gruber syndrome; Nephronophthisis. Last evaluated: 2026-02-02. Review status: criteria provided, single submitter. Criteria: Invitae Variant Classification Sherloc (09022015). Collection method: clinical testing. Allele origin: germline.

Mayo Clinic Laboratories, Mayo Clinic
Classification: Benign. Last evaluated: 2024-12-27. Review status: criteria provided, single submitter. Criteria: ACMG Guidelines, 2015. Collection method: clinical testing. Allele origin: germline. Observed: 1 variant allele.
Comment: BS1, BS2, BP4, BP7

ARUP Laboratories, Molecular Genetics and Genomics, ARUP Laboratories
Classification: Benign. Last evaluated: 2023-11-06. Review status: criteria provided, single submitter. Criteria: ARUP Molecular Germline Variant Investigation Process 2024. Collection method: clinical testing. Allele origin: germline.

Genome Diagnostics Laboratory, The Hospital for Sick Children
Classification: Uncertain significance for Kidney disorder. Last evaluated: 2018-06-01. Review status: criteria provided, single submitter. Criteria: ACMG Guidelines, 2015. Collection method: clinical testing. Allele origin: germline.

Illumina Laboratory Services, Illumina
Classification: Benign for Joubert syndrome 5. Last evaluated: 2018-01-13. Review status: criteria provided, single submitter. Criteria: ICSL Variant Classification Criteria 13 December 2019. Collection method: clinical testing. Allele origin: germline.
Comment: This variant was observed in the ICSL laboratory as part of a predisposition screen in an ostensibly healthy population. It had not been previously curated by ICSL or reported in the Human Gene Mutation Database (HGMD: prior to June 1st, 2018), and was therefore a candidate for classification through an automated scoring system. Utilizing variant allele frequency, disease prevalence and penetrance estimates, and inheritance mode, an automated score was calculated to assess if this variant is too frequent to cause the disease. Based on the score and internal cut-off values, a variant classified as benign is not then subjected to further curation. The score for this variant resulted in a classification of benign for this disease.

Illumina Laboratory Services, Illumina
Classification: Likely benign for Meckel syndrome, type 4. Last evaluated: 2018-01-13. Review status: criteria provided, single submitter. Criteria: ICSL Variant Classification Criteria 13 December 2019. Collection method: clinical testing. Allele origin: germline.
Comment: This variant was observed in the ICSL laboratory as part of a predisposition screen in an ostensibly healthy population. It had not been previously curated by ICSL or reported in the Human Gene Mutation Database (HGMD: prior to June 1st, 2018), and was therefore a candidate for classification through an automated scoring system. Utilizing variant allele frequency, disease prevalence and penetrance estimates, and inheritance mode, an automated score was calculated to assess if this variant is too frequent to cause the disease. Based on the score and internal cut-off values, a variant classified as likely benign is not then subjected to further curation. The score for this variant resulted in a classification of likely benign for this disease.

Illumina Laboratory Services, Illumina
Classification: Benign for Bardet-Biedl syndrome 14. Last evaluated: 2018-01-13. Review status: criteria provided, single submitter. Criteria: ICSL Variant Classification Criteria 13 December 2019. Collection method: clinical testing. Allele origin: germline.
Comment: the same text as in the submission from Illumina Laboratory Services, Illumina above.

Illumina Laboratory Services, Illumina
Classification: Benign for Senior-Loken syndrome 6. Last evaluated: 2018-01-13. Review status: criteria provided, single submitter. Criteria: ICSL Variant Classification Criteria 13 December 2019. Collection method: clinical testing. Allele origin: germline.
Comment: the same text as in the submission from Illumina Laboratory Services, Illumina above.

Illumina Laboratory Services, Illumina
Classification: Likely benign for Leber congenital amaurosis 10. Last evaluated: 2018-01-13. Review status: criteria provided, single submitter. Criteria: ICSL Variant Classification Criteria 13 December 2019. Collection method: clinical testing. Allele origin: germline.
Comment: the same text as in the submission from Illumina Laboratory Services, Illumina above.

GeneDx
Classification: Benign. Last evaluated: 2014-03-21. Review status: criteria provided, single submitter. Criteria: GeneDx Variant Classification (06012015). Collection method: clinical testing. Allele origin: germline. Affected: yes.
Comment: This variant is considered likely benign or benign based on one or more of the following criteria: it is a conservative change, it occurs at a poorly conserved position in the protein, it is predicted to be benign by multiple in silico algorithms, and/or has population frequency not consistent with disease.

Breakthrough Genomics
Classification: Likely benign. Review status: criteria provided, single submitter. Criteria: ACMG Guidelines, 2015. Collection method: not provided. Allele origin: germline. Inheritance: Autosomal recessive inheritance. Affected: yes.

PreventionGenetics, part of Exact Sciences
Classification: Benign. Review status: criteria provided, single submitter. Criteria: ACMG Guidelines, 2015. Collection method: clinical testing. Allele origin: germline.

Natera, Inc.
Classification: Benign for Leber congenital amaurosis. Last evaluated: 2020-09-16. Review status: no assertion criteria provided. Collection method: clinical testing. Allele origin: germline. Not counted in ClinVar's aggregate classification.